The following is an entry in ClinVar:

ClinVar aggregate classification (germline): Likely pathogenic (1 of 4 stars; one submission).

Submission:

Labcorp Genetics (formerly Invitae), Labcorp
Classification: Likely pathogenic. Last evaluated: 2025-11-04. Review status: criteria provided, single submitter. Criteria: Invitae Variant Classification Sherloc (09022015). Collection method: clinical testing. Allele origin: germline.
Comment: This sequence change affects a donor splice site in intron 20 of the POLR3A gene. It is expected to disrupt RNA splicing. Variants that disrupt the donor or acceptor splice site typically lead to a loss of protein function (PMID: 16199547), and loss-of-function variants in POLR3A are known to be pathogenic (PMID: 21855841, 25339210, 27612211, 30414627, 30450527). This variant is not present in population databases (gnomAD no frequency). This variant has not been reported in the literature in individuals affected with POLR3A-related conditions. ClinVar contains an entry for this variant (Variation ID: 1501190). Algorithms developed to predict the effect of sequence changes on RNA splicing suggest that this variant may disrupt the consensus splice site. In summary, the currently available evidence indicates that the variant is pathogenic, but additional data are needed to prove that conclusively. Therefore, this variant has been classified as Likely Pathogenic.

Literature cited by the submitters: PubMed 16199547; PubMed 21855841; PubMed 25339210; PubMed 27612211; PubMed 30414627; PubMed 30450527.

NM_007055.4(POLR3A):c.2787+1G>A

Gene: POLR3A (RNA polymerase III subunit A; minus strand). Cytogenetic location: 10q22.3.
Variant type: single nucleotide variant.
Coding change: c.2787+1G>A on transcript NM_007055.4 (MANE Select); the canonical splice donor site of the intron after coding-DNA position 2787, G replaced by A.
Molecular consequence: splice donor variant.
Genome position (GRCh38, 1-based): chr10:77,993,196, C>T on the plus strand (G>A on the coding strand, the complement: POLR3A is on the minus strand). VCF-style: chr10-77993196-C-T. GRCh37 (hg19) VCF-style: chr10-79752954-C-T.
Identifiers: ClinVar variation 1501190 (VCV001501190.6), dbSNP rs2131937028, ClinGen allele CA377333825.
Genomic context (GRCh38, chr10:77,993,196, plus strand): 5'-TTCCGTCCTAAAGAAACATCCTTAAAAACACTCTAACCCCAGATATAATGCTAAATCTTA[C>T]TTTGATGTTGTCCAGAACCCTTTTAAACTCCAAAGGTTCATCTTTTCCCTCCATAGCTGC-3'